The following is an entry in ClinVar:

NM_002900.3(RBP3):c.2189T>C (p.Ile730Thr)

Gene: RBP3 (retinol binding protein 3; plus strand). Cytogenetic location: 10q11.22.
Variant type: single nucleotide variant.
Coding change: c.2189T>C on transcript NM_002900.3 (MANE Select); coding-DNA position 2189, T replaced by C.
Protein change: p.Ile730Thr; replaces isoleucine 730 with threonine.
Molecular consequence: missense variant.
Genome position (GRCh38, 1-based): chr10:47,350,673, T>C. VCF-style: chr10-47350673-T-C. GRCh37 (hg19) VCF-style: chr10-48388689-A-G.
Other names: short protein forms I730T.
Identifiers: ClinVar variation 1349090 (VCV001349090.5), dbSNP rs1053679537, ClinGen allele CA206464510.

ClinVar aggregate classification (germline): Uncertain significance. Review status: criteria provided, multiple submitters, no conflicts (2 of 4 stars). 2 submissions from 2 submitters: Uncertain significance (2). Last evaluated 2023-12-06.

Allele frequency attached by ClinVar (database versions not stated): gnomAD exomes below 0.00001 and 0.00001; gnomAD 0.00001; TOPMed 0.00002.
gnomAD v4.1: 11 of 1,612,858 alleles (0.00068%); highest among the groups gnomAD compares: Middle Eastern, 0.016%; no homozygotes.

Submissions (2):

Labcorp Genetics (formerly Invitae), Labcorp
Classification: Uncertain significance. Last evaluated: 2023-12-06. Review status: criteria provided, single submitter. Criteria: Invitae Variant Classification Sherloc (09022015). Collection method: clinical testing. Allele origin: germline.
Comment: This sequence change replaces isoleucine, which is neutral and non-polar, with threonine, which is neutral and polar, at codon 730 of the RBP3 protein (p.Ile730Thr). This variant is present in population databases (no rsID available, gnomAD 0.003%). This variant has not been reported in the literature in individuals affected with RBP3-related conditions. ClinVar contains an entry for this variant (Variation ID: 1349090). An algorithm developed to predict the effect of missense changes on protein structure and function (PolyPhen-2) suggests that this variant¬†is likely to be tolerated. In summary, the available evidence is currently insufficient to determine the role of this variant in disease. Therefore, it has been classified as a Variant of Uncertain Significance.

Blueprint Genetics
Classification: Uncertain significance. Last evaluated: 2022-09-26. Review status: criteria provided, single submitter. Criteria: ACMG Guidelines, 2015. Collection method: clinical testing. Allele origin: germline.